The following is an entry in ClinVar:

NM_004958.4(MTOR):c.4390G>T (p.Asp1464Tyr)

Gene: MTOR (mechanistic target of rapamycin kinase; minus strand). Cytogenetic location: 1p36.22.
Variant type: single nucleotide variant.
Coding change: c.4390G>T on transcript NM_004958.4 (MANE Select); coding-DNA position 4390, G replaced by T.
Protein change: p.Asp1464Tyr; replaces aspartic acid 1464 with tyrosine.
Molecular consequence: missense variant.
Genome position (GRCh38, 1-based): chr1:11,157,231, C>A on the plus strand (G>T on the coding strand, the complement: MTOR is on the minus strand). VCF-style: chr1-11157231-C-A. GRCh37 (hg19) VCF-style: chr1-11217288-C-A.
Other names: c.4390G>T, p.Asp1464Tyr (NM_001386500.1); c.3142G>T, p.Asp1048Tyr (NM_001386501.1); short protein forms D1048Y, D1464Y.
Identifiers: ClinVar variation 2838940 (VCV002838940.3), dbSNP rs2100567917, ClinGen allele CA338371908.

ClinVar aggregate classification (germline): Uncertain significance (1 of 4 stars; one submission).

Submission:

Labcorp Genetics (formerly Invitae), Labcorp
Classification: Uncertain significance. Last evaluated: 2024-07-22. Review status: criteria provided, single submitter. Criteria: Invitae Variant Classification Sherloc (09022015). Collection method: clinical testing. Allele origin: germline.
Comment: This sequence change replaces aspartic acid, which is acidic and polar, with tyrosine, which is neutral and polar, at codon 1464 of the MTOR protein (p.Asp1464Tyr). This variant is not present in population databases (gnomAD no frequency). This variant has not been reported in the literature in individuals affected with MTOR-related conditions. Advanced modeling of protein sequence and biophysical properties (such as structural, functional, and spatial information, amino acid conservation, physicochemical variation, residue mobility, and thermodynamic stability) performed at Invitae indicates that this missense variant is not expected to disrupt MTOR protein function with a negative predictive value of 95%. In summary, the available evidence is currently insufficient to determine the role of this variant in disease. Therefore, it has been classified as a Variant of Uncertain Significance.